The following is an entry in ClinVar:

ClinVar aggregate classification (germline): Uncertain significance (1 of 4 stars; one submission).

Conditions:
Hereditary cancer-predisposing syndrome. Also called: Neoplastic Syndromes, Hereditary; Tumor predisposition; Hereditary Cancer Syndrome; Hereditary neoplastic syndrome. Identifiers: Orphanet 140162, MedGen C0027672, MeSH D009386, MONDO:0015356.

Submission:

Ambry Genetics
Classification: Uncertain significance for Hereditary cancer-predisposing syndrome. Last evaluated: 2024-07-26. Review status: criteria provided, single submitter. Criteria: Ambry Variant Classification Scheme 2023. Collection method: clinical testing. Allele origin: germline.
Comment: The p.E243G variant (also known as c.728A>G), located in coding exon 6 of the APC gene, results from an A to G substitution at nucleotide position 728. The glutamic acid at codon 243 is replaced by glycine, an amino acid with similar properties. This amino acid position is conserved. In addition, in silico predictors for this gene do not accurately predict pathogenicity. Based on the available evidence, the clinical significance of this variant remains unclear.

NM_000038.6(APC):c.728A>G (p.Glu243Gly)

Gene: APC (APC regulator of Wnt signaling pathway; plus strand). Cytogenetic location: 5q22.2.
Variant type: single nucleotide variant.
Coding change: c.728A>G on transcript NM_000038.6 (MANE Select); coding-DNA position 728, A replaced by G.
Protein change: p.Glu243Gly; replaces glutamic acid 243 with glycine.
Molecular consequence: missense variant. On other transcripts: 5 prime UTR variant (4), non-coding transcript variant (2), intron variant (5).
Genome position (GRCh38, 1-based): chr5:112,792,528, A>G. VCF-style: chr5-112792528-A-G. GRCh37 (hg19) VCF-style: chr5-112128225-A-G.
Other names: c.728A>G, p.Glu243Gly (NM_001127510.3, NM_001354895.2, NM_001354896.2 and 12 more transcripts); c.758A>G, p.Glu253Gly (NM_001354897.2, NM_001354902.2, NM_001407446.1); c.653A>G, p.Glu218Gly (NM_001354898.2, NM_001354904.2, NM_001407451.1); c.551A>G, p.Glu184Gly (NM_001354900.2, NM_001354901.2, NM_001354905.2 and 1 more transcripts); c.-308A>G (NM_001354906.2, NM_001407470.1, NM_001407471.1 and 1 more transcripts); c.646-8751A>G (NM_001407452.1, NM_001407469.1, NM_001354899.2 and 1 more transcripts); c.676-8751A>G (NM_001127511.3); short protein forms E243G, E184G, E218G, E253G.
Identifiers: ClinVar variation 3409780 (VCV003409780.1).